The following is an entry in ClinVar:

ClinVar aggregate classification (germline): Uncertain significance (1 of 4 stars; one submission).

Allele frequency attached by ClinVar (database versions not stated): gnomAD exomes below 0.00001.
gnomAD v4.1: 2 of 1,614,220 alleles (0.00012%); highest among the groups gnomAD compares: Non-Finnish European, 0.00017%; no homozygotes.

Submission:

Labcorp Genetics (formerly Invitae), Labcorp
Classification: Uncertain significance. Last evaluated: 2022-08-01. Review status: criteria provided, single submitter. Criteria: Invitae Variant Classification Sherloc (09022015). Collection method: clinical testing. Allele origin: germline.
Comment: This variant has not been reported in the literature in individuals affected with CSGALNACT1-related conditions. In summary, the available evidence is currently insufficient to determine the role of this variant in disease. Therefore, it has been classified as a Variant of Uncertain Significance. Algorithms developed to predict the effect of missense changes on protein structure and function (SIFT, PolyPhen-2, Align-GVGD) all suggest that this variant is likely to be tolerated. This variant is not present in population databases (gnomAD no frequency). This sequence change replaces alanine, which is neutral and non-polar, with serine, which is neutral and polar, at codon 140 of the CSGALNACT1 protein (p.Ala140Ser).

NM_001354483.2(CSGALNACT1):c.418G>T (p.Ala140Ser)

Gene: CSGALNACT1 (chondroitin sulfate N-acetylgalactosaminyltransferase 1; minus strand). Cytogenetic location: 8p21.3.
Variant type: single nucleotide variant.
Coding change: c.418G>T on transcript NM_001354483.2 (MANE Select); coding-DNA position 418, G replaced by T.
Protein change: p.Ala140Ser; replaces alanine 140 with serine.
Molecular consequence: missense variant. On other transcripts: non-coding transcript variant (7).
Genome position (GRCh38, 1-based): chr8:19,505,417, C>A on the plus strand (G>T on the coding strand, the complement: CSGALNACT1 is on the minus strand). VCF-style: chr8-19505417-C-A. GRCh37 (hg19) VCF-style: chr8-19362928-C-A.
Other names: c.418G>T, p.Ala140Ser (NM_001130518.2, NM_001354475.2, NM_001354476.2 and 18 more transcripts); short protein forms A140S.
Identifiers: ClinVar variation 2021084 (VCV002021084.4), dbSNP rs2538820766, ClinGen allele CA370461295.